The following is an entry in ClinVar:

ClinVar aggregate classification (germline): Uncertain significance (1 of 4 stars; one submission).

Submission:

Ambry Genetics
Classification: Uncertain significance. Last evaluated: 2021-09-01. Review status: criteria provided, single submitter. Criteria: Ambry Variant Classification Scheme 2023. Collection method: clinical testing. Allele origin: germline.
Comment: The p.F1967S variant (also known as c.5900T>C), located in coding exon 43 of the PRKDC gene, results from a T to C substitution at nucleotide position 5900. The phenylalanine at codon 1967 is replaced by serine, an amino acid with highly dissimilar properties. This amino acid position is conserved. Since supporting evidence is limited at this time, the clinical significance of this alteration remains unclear.

NM_006904.7(PRKDC):c.5900T>C (p.Phe1967Ser)

Gene: PRKDC (protein kinase, DNA-activated, catalytic subunit; minus strand). Cytogenetic location: 8q11.21.
Variant type: single nucleotide variant.
Coding change: c.5900T>C on transcript NM_006904.7 (MANE Select); coding-DNA position 5900, T replaced by C.
Protein change: p.Phe1967Ser; replaces phenylalanine 1967 with serine.
Molecular consequence: missense variant.
Genome position (GRCh38, 1-based): chr8:47,862,392, A>G on the plus strand (T>C on the coding strand, the complement: PRKDC is on the minus strand). VCF-style: chr8-47862392-A-G. GRCh37 (hg19) VCF-style: chr8-48774953-A-G.
Other names: c.5900T>C, p.Phe1967Ser (NM_001081640.2); short protein forms F1967S.
Identifiers: ClinVar variation 1750409 (VCV001750409.2), dbSNP rs2551870671, ClinGen allele CA371162176.